The following is an entry in ClinVar:

ClinVar aggregate classification (germline): Pathogenic (1 of 4 stars; one submission).

Submission:

GeneDx
Classification: Pathogenic. Last evaluated: 2026-02-04. Review status: criteria provided, single submitter. Criteria: GeneDx Variant Classification Process June 2021. Collection method: clinical testing. Allele origin: germline.
Comment: Nonsense variant predicted to result in protein truncation or nonsense mediated decay in a gene for which loss of function is a known mechanism of disease; Not observed at significant frequency in large population cohorts (gnomAD); This variant is associated with the following publications: (PMID: 31740684)

NM_001009944.3(PKD1):c.4797del (p.Ser1598_Tyr1599insTer)

Gene: PKD1 (polycystin 1, transient receptor potential channel interacting; minus strand). Cytogenetic location: 16p13.3.
Variant type: Deletion.
Coding change: c.4797del on transcript NM_001009944.3 (MANE Select); coding-DNA position 4797, one base deleted (C; older notation c.4797delC).
Protein change: p.Ser1598_Tyr1599insTer.
Molecular consequence: nonsense. On other transcripts: frameshift variant (1).
Genome position (GRCh38, 1-based): chr16:2,110,370, G deleted on the plus strand (C on the coding strand, the reverse complement: PKD1 is on the minus strand). VCF-style (leftmost placement, unchanged base first): chr16-2110369-TG-T. GRCh37 (hg19) VCF-style: chr16-2160370-TG-T.
Other names: c.4797del, p.Ser1598_Tyr1599insTer (NM_000296.4); c.4797delC, p.Tyr1599Terfs (NM_001009944.2).
Identifiers: ClinVar variation 4888203 (VCV004888203.1).